The following is an entry in ClinVar:

NM_006303.4(AIMP2):c.173G>A (p.Arg58His)

Gene: AIMP2 (aminoacyl tRNA synthetase complex interacting multifunctional protein 2; plus strand). Cytogenetic location: 7p22.1.
Variant type: single nucleotide variant.
Coding change: c.173G>A on transcript NM_006303.4 (MANE Select); coding-DNA position 173, G replaced by A.
Protein change: p.Arg58His; replaces arginine 58 with histidine.
Molecular consequence: missense variant. On other transcripts: 5 prime UTR variant (3), intron variant (1).
Genome position (GRCh38, 1-based): chr7:6,015,183, G>A. VCF-style: chr7-6015183-G-A. GRCh37 (hg19) VCF-style: chr7-6054814-G-A.
Other names: c.53G>A, p.Arg18His (NM_001326606.2); c.-62G>A (NM_001326609.2, NM_001326610.2, NM_001326611.3); c.86G>A, p.Arg29His (NM_001362785.2); c.41G>A, p.Arg14His (NM_001362787.2); c.136-2631G>A (NM_001326607.2); c.173G>A (NM_006303.3); short protein forms R18H, R29H, R14H, R58H.
Identifiers: ClinVar variation 1398436 (VCV001398436.6), dbSNP rs190724823, ClinGen allele CA4150259.

ClinVar aggregate classification (germline): Uncertain significance. Review status: criteria provided, multiple submitters, no conflicts (2 of 4 stars). 2 submissions from 2 submitters: Uncertain significance (2). Last evaluated 2024-01-23.

Conditions:
Inborn genetic diseases. Identifiers: MedGen C0950123, MeSH D030342.

Allele frequency attached by ClinVar (database versions not stated): ExAC 0.00001; gnomAD exomes 0.00002 and 0.00003; gnomAD 0.00006 and 0.00007; ESP Exome Variant Server 0.00008; TOPMed 0.00014; 1000 Genomes Project 30x 0.00016; 1000 Genomes Project 0.00020.
gnomAD v4.1: 59 of 1,614,052 alleles (0.0037%); highest among the groups gnomAD compares: African/African-American, 0.044%; no homozygotes.

Submissions (2):

Ambry Genetics
Classification: Uncertain significance for Inborn genetic diseases. Last evaluated: 2024-01-23. Review status: criteria provided, single submitter. Criteria: Ambry Variant Classification Scheme 2023. Collection method: clinical testing. Allele origin: germline.

Labcorp Genetics (formerly Invitae), Labcorp
Classification: Uncertain significance. Last evaluated: 2023-07-07. Review status: criteria provided, single submitter. Criteria: Invitae Variant Classification Sherloc (09022015). Collection method: clinical testing. Allele origin: germline.
Comment: This sequence change replaces arginine, which is basic and polar, with histidine, which is basic and polar, at codon 58 of the AIMP2 protein (p.Arg58His). In summary, the available evidence is currently insufficient to determine the role of this variant in disease. Therefore, it has been classified as a Variant of Uncertain Significance. Algorithms developed to predict the effect of missense changes on protein structure and function output the following: SIFT: "Not Available"; PolyPhen-2: "Benign"; Align-GVGD: "Not Available". The histidine amino acid residue is found in multiple mammalian species, which suggests that this missense change does not adversely affect protein function. ClinVar contains an entry for this variant (Variation ID: 1398436). This variant has not been reported in the literature in individuals affected with AIMP2-related conditions. This variant is present in population databases (rs190724823, gnomAD 0.008%).